The following is an entry in ClinVar:

NM_001354604.2(MITF):c.536A>G (p.Asn179Ser)

Gene: MITF (melanocyte inducing transcription factor; plus strand). Cytogenetic location: 3p13.
Variant type: single nucleotide variant.
Coding change: c.536A>G on transcript NM_001354604.2 (MANE Select); coding-DNA position 536, A replaced by G.
Protein change: p.Asn179Ser; replaces asparagine 179 with serine.
Molecular consequence: missense variant. On other transcripts: intron variant (1).
Genome position (GRCh38, 1-based): chr3:69,938,003, A>G. VCF-style: chr3-69938003-A-G. GRCh37 (hg19) VCF-style: chr3-69987154-A-G.
Other names: c.215A>G, p.Asn72Ser (NM_000248.4, NM_001184968.2, NM_198158.3); c.380A>G, p.Asn127Ser (NM_001184967.2, NM_001354608.2); c.533A>G, p.Asn178Ser (NM_001354605.2, NM_001354606.2, NM_006722.3); c.485A>G, p.Asn162Ser (NM_001354607.2); c.536A>G, p.Asn179Ser (NM_198159.3); c.488A>G, p.Asn163Ser (NM_198177.3); c.93+122A>G (NM_198178.3); short protein forms N178S, N179S, N162S, N163S, N127S, N72S.
Identifiers: ClinVar variation 4055186 (VCV004055186.1).

ClinVar aggregate classification (germline): Uncertain significance (1 of 4 stars; one submission).

Conditions:
Hereditary cancer-predisposing syndrome. Also called: Neoplastic Syndromes, Hereditary; Tumor predisposition; Hereditary neoplastic syndrome; Hereditary Cancer Syndrome. Identifiers: Orphanet 140162, MedGen C0027672, MeSH D009386, MONDO:0015356.

Submission:

Ambry Genetics
Classification: Uncertain significance for Hereditary cancer-predisposing syndrome. Last evaluated: 2025-04-06. Review status: criteria provided, single submitter. Criteria: Ambry Variant Classification Scheme 2023. Collection method: clinical testing. Allele origin: germline.
Comment: The p.N72S variant (also known as c.215A>G), located in coding exon 2 of the MITF gene, results from an A to G substitution at nucleotide position 215. The asparagine at codon 72 is replaced by serine, an amino acid with highly similar properties. This amino acid position is conserved. In addition, this alteration is predicted to be tolerated by in silico analysis. Based on the available evidence, the clinical significance of this variant remains unclear.